The following is an entry in ClinVar:

NM_001791.4(CDC42):c.101C>T (p.Pro34Leu)

Gene: CDC42 (cell division cycle 42; plus strand). Cytogenetic location: 1p36.12.
Variant type: single nucleotide variant.
Coding change: c.101C>T on transcript NM_001791.4 (MANE Select); coding-DNA position 101, C replaced by T.
Protein change: p.Pro34Leu; replaces proline 34 with leucine.
Molecular consequence: missense variant.
Genome position (GRCh38, 1-based): chr1:22,078,579, C>T. VCF-style: chr1-22078579-C-T. GRCh37 (hg19) VCF-style: chr1-22405072-C-T.
Other names: c.101C>T, p.Pro34Leu (NM_001039802.2, NM_044472.3); short protein forms P34L.
Identifiers: ClinVar variation 1304835 (VCV001304835.2), dbSNP rs1645575465, ClinGen allele CA338912393.

ClinVar aggregate classification (germline): Uncertain significance (1 of 4 stars; one submission).

Submission:

GeneDx
Classification: Uncertain significance. Last evaluated: 2019-07-31. Review status: criteria provided, single submitter. Criteria: GeneDx Variant Classification Process June 2021. Collection method: clinical testing. Allele origin: germline. Affected: yes.
Comment: Not observed in large population cohorts (Lek et al., 2016); In silico analysis, which includes protein predictors and evolutionary conservation, supports a deleterious effect; Has not been previously published as pathogenic or benign to our knowledge